The following is an entry in ClinVar:

NM_152564.5(VPS13B):c.3006T>A (p.Ser1002Arg)

Gene: VPS13B (vacuolar protein sorting 13 homolog B; plus strand). Cytogenetic location: 8q22.2.
Variant type: single nucleotide variant.
Coding change: c.3006T>A on transcript NM_152564.5 (MANE Select); coding-DNA position 3006, T replaced by A.
Protein change: p.Ser1002Arg; replaces serine 1002 with arginine.
Molecular consequence: missense variant.
Genome position (GRCh38, 1-based): chr8:99,391,628, T>A. VCF-style: chr8-99391628-T-A. GRCh37 (hg19) VCF-style: chr8-100403856-T-A.
Other names: c.3006T>A, p.Ser1002Arg (NM_017890.5); short protein forms S1002R.
Identifiers: ClinVar variation 3355728 (VCV003355728.1).

ClinVar aggregate classification (germline): Uncertain significance (0 of 4 stars; one submission).

Conditions:
VPS13B-related disorder. Also called: VPS13B-related condition.

gnomAD v4.1: 5 of 1,614,014 alleles (0.00031%); highest among the groups gnomAD compares: Non-Finnish European, 0.00042%; no homozygotes.

Submission:

PreventionGenetics, part of Exact Sciences
Classification: Uncertain significance for VPS13B-related condition. Last evaluated: 2023-12-20. Review status: no assertion criteria provided. Collection method: clinical testing. Allele origin: germline.
Comment: The VPS13B c.3006T>A variant is predicted to result in the amino acid substitution p.Ser1002Arg. To our knowledge, this variant has not been reported in the literature. This variant is reported in 0.0065% of alleles in individuals of European (Non-Finnish) descent in gnomAD. At this time, the clinical significance of this variant is uncertain due to the absence of conclusive functional and genetic evidence.